The following is an entry in ClinVar:

ClinVar aggregate classification (germline): Uncertain significance (1 of 4 stars; one submission).

Submission:

Labcorp Genetics (formerly Invitae), Labcorp
Classification: Uncertain significance. Last evaluated: 2025-03-11. Review status: criteria provided, single submitter. Criteria: Invitae Variant Classification Sherloc (09022015). Collection method: clinical testing. Allele origin: germline.
Comment: This sequence change replaces arginine, which is basic and polar, with serine, which is neutral and polar, at codon 890 of the MSH3 protein (p.Arg890Ser). This variant is not present in population databases (gnomAD no frequency). This variant has not been reported in the literature in individuals affected with MSH3-related conditions. An algorithm developed to predict the effect of missense changes on protein structure and function (PolyPhen-2) suggests that this variant is likely to be disruptive. In summary, the available evidence is currently insufficient to determine the role of this variant in disease. Therefore, it has been classified as a Variant of Uncertain Significance.

NM_002439.5(MSH3):c.2670A>T (p.Arg890Ser)

Gene: MSH3 (mutS homolog 3; plus strand). Cytogenetic location: 5q14.1.
Variant type: single nucleotide variant.
Coding change: c.2670A>T on transcript NM_002439.5 (MANE Select); coding-DNA position 2670, A replaced by T.
Protein change: p.Arg890Ser; replaces arginine 890 with serine.
Molecular consequence: missense variant.
Genome position (GRCh38, 1-based): chr5:80,813,598, A>T. VCF-style: chr5-80813598-A-T. GRCh37 (hg19) VCF-style: chr5-80109417-A-T.
Other names: short protein forms R890S.
Identifiers: ClinVar variation 4779708 (VCV004779708.1).